The following is an entry in ClinVar:

ClinVar aggregate classification (germline): Uncertain significance. Review status: criteria provided, multiple submitters, no conflicts (2 of 4 stars). 2 submissions from 2 submitters: Uncertain significance (2). Last evaluated 2021-02-27.

Conditions:
Inborn genetic diseases. Identifiers: MedGen C0950123, MeSH D030342.

Allele frequency attached by ClinVar (database versions not stated): gnomAD 0.00001; TOPMed 0.00001; 1000 Genomes Project 30x 0.00016; 1000 Genomes Project 0.00020.
gnomAD v4.1: 58 of 1,614,118 alleles (0.0036%); highest among the groups gnomAD compares: Non-Finnish European, 0.0048%; no homozygotes.

Submissions (2):

Ambry Genetics
Classification: Uncertain significance for Inborn genetic diseases. Last evaluated: 2021-02-27. Review status: criteria provided, single submitter. Criteria: Ambry Variant Classification Scheme 2023. Collection method: clinical testing. Allele origin: germline.
Comment: The p.I306V variant (also known as c.916A>G), located in coding exon 9 of the MTMR2 gene, results from an A to G substitution at nucleotide position 916. The isoleucine at codon 306 is replaced by valine, an amino acid with highly similar properties. This amino acid position is highly conserved in available vertebrate species. In addition, the in silico prediction for this alteration is inconclusive. Since supporting evidence is limited at this time, the clinical significance of this alteration remains unclear.

CeGaT Center for Human Genetics Tuebingen
Classification: Uncertain significance. Last evaluated: 2017-12-01. Review status: criteria provided, single submitter. Criteria: CeGaT Center For Human Genetics Tuebingen Variant Classification Criteria Version 2. Collection method: clinical testing. Allele origin: germline. Affected: yes. Observed: 1 variant allele.

NM_016156.6(MTMR2):c.916A>G (p.Ile306Val)

Gene: MTMR2 (myotubularin related protein 2; minus strand). Cytogenetic location: 11q21.
Variant type: single nucleotide variant.
Coding change: c.916A>G on transcript NM_016156.6 (MANE Select); coding-DNA position 916, A replaced by G.
Protein change: p.Ile306Val; replaces isoleucine 306 with valine.
Molecular consequence: missense variant.
Genome position (GRCh38, 1-based): chr11:95,849,751, T>C on the plus strand (A>G on the coding strand, the complement: MTMR2 is on the minus strand). VCF-style: chr11-95849751-T-C. GRCh37 (hg19) VCF-style: chr11-95582915-T-C.
Other names: c.700A>G, p.Ile234Val (NM_001243571.2, NM_201278.3, NM_201281.3); short protein forms I234V, I306V.
Identifiers: ClinVar variation 806723 (VCV000806723.44), dbSNP rs540785347, ClinGen allele CA6240175.